The following is an entry in ClinVar:

NM_017802.4(DNAAF5):c.707A>T (p.His236Leu)

Gene: DNAAF5 (dynein axonemal assembly factor 5; plus strand). Cytogenetic location: 7p22.3.
Variant type: single nucleotide variant.
Coding change: c.707A>T on transcript NM_017802.4 (MANE Select); coding-DNA position 707, A replaced by T.
Protein change: p.His236Leu; replaces histidine 236 with leucine.
Molecular consequence: missense variant. On other transcripts: non-coding transcript variant (1).
Genome position (GRCh38, 1-based): chr7:729,774, A>T. VCF-style: chr7-729774-A-T. GRCh37 (hg19) VCF-style: chr7-769411-A-T.
Other names: short protein forms H236L.
Identifiers: ClinVar variation 241209 (VCV000241209.18), dbSNP rs115058579, ClinGen allele CA4110405.

ClinVar aggregate classification (germline): Benign/Likely benign. Review status: criteria provided, multiple submitters, no conflicts (2 of 4 stars). 5 submissions from 5 submitters: Benign (1); Likely benign (3). 1 of the submissions does not count toward it. Last evaluated 2025-12-24.

Conditions:
DNAAF5-related disorder. Also called: DNAAF5-related condition.
Primary ciliary dyskinesia. Also called: Ciliary dyskinesia. Identifiers: Orphanet 244, MedGen C0008780, MONDO:0016575, HP:0012265.

Allele frequency attached by ClinVar (database versions not stated): 1000 Genomes Project 30x 0.00078; 1000 Genomes Project 0.00100; TOPMed 0.00136.
gnomAD v4.1: 428 of 1,614,190 alleles (0.027%); highest among the groups gnomAD compares: African/African-American, 0.53%; 1 homozygote.

Submissions (5):

Labcorp Genetics (formerly Invitae), Labcorp
Classification: Likely benign for Primary ciliary dyskinesia. Last evaluated: 2025-12-24. Review status: criteria provided, single submitter. Criteria: Invitae Variant Classification Sherloc (09022015). Collection method: clinical testing. Allele origin: germline.

Blueprint Genetics
Classification: Likely benign. Last evaluated: 2024-10-09. Review status: criteria provided, single submitter. Criteria: ACMG Guidelines, 2015. Collection method: clinical testing. Allele origin: germline.

Ambry Genetics
Classification: Benign for Primary ciliary dyskinesia. Last evaluated: 2019-12-07. Review status: criteria provided, single submitter. Criteria: Ambry Variant Classification Scheme 2023. Collection method: clinical testing. Allele origin: germline.

Breakthrough Genomics
Classification: Likely benign. Review status: criteria provided, single submitter. Criteria: ACMG Guidelines, 2015. Collection method: not provided. Allele origin: germline. Inheritance: Autosomal recessive inheritance. Affected: yes.

PreventionGenetics, part of Exact Sciences
Classification: Likely benign for DNAAF5-related condition. Last evaluated: 2019-12-18. Review status: no assertion criteria provided. Collection method: clinical testing. Allele origin: germline. Not counted in ClinVar's aggregate classification.
Comment: This variant is classified as likely benign based on ACMG/AMP sequence variant interpretation guidelines (Richards et al. 2015 PMID: 25741868, with internal and published modifications).